The following is an entry in ClinVar:

NM_007272.3(CTRC):c.532C>G (p.Gln178Glu)

Gene: CTRC (chymotrypsin C; plus strand). Cytogenetic location: 1p36.21.
Variant type: single nucleotide variant.
Coding change: c.532C>G on transcript NM_007272.3 (MANE Select); coding-DNA position 532, C replaced by G.
Protein change: p.Gln178Glu; replaces glutamine 178 with glutamic acid.
Molecular consequence: missense variant.
Genome position (GRCh38, 1-based): chr1:15,444,644, C>G. VCF-style: chr1-15444644-C-G. GRCh37 (hg19) VCF-style: chr1-15771139-C-G.
Other names: short protein forms Q178E.
Identifiers: ClinVar variation 1746866 (VCV001746866.2), dbSNP rs2526301232, ClinGen allele CA338567053.

ClinVar aggregate classification (germline): Uncertain significance (1 of 4 stars; one submission).

Conditions:
Hereditary pancreatitis (PCTT). Also called: Hereditary chronic pancreatitis; PRSS1-Related Hereditary Pancreatitis. Identifiers: Orphanet 676, MedGen C0238339, MONDO:0008185, OMIM 167800.

Submission:

Ambry Genetics
Classification: Uncertain significance for Hereditary pancreatitis. Last evaluated: 2015-04-20. Review status: criteria provided, single submitter. Criteria: Ambry Variant Classification Scheme 2023. Collection method: clinical testing. Allele origin: germline.
Comment: The p.Q178E variant (also known as c.532C>G), located in coding exon 6 of the CTRC gene, results from a C to G substitution at nucleotide position 532. The glutamine at codon 178 is replaced by glutamic acid, an amino acid with highly similar properties. This variant was not reported in population based cohorts in the following databases: Database of Single Nucleotide Polymorphisms (dbSNP), NHLBI Exome Sequencing Project (ESP), and 1000 Genomes Project. In the ESP, this variant was not observed in 6503 samples (13006 alleles) with coverage at this position. This amino acid position is poorly conserved in available vertebrate species. In addition, this alteration is predicted to be tolerated by in silico analysis. Since supporting evidence is limited at this time, the clinical significance of this variant remains unclear.